The following is an entry in ClinVar:

NM_001127222.2(CACNA1A):c.2840C>T (p.Pro947Leu)

Gene: CACNA1A (calcium voltage-gated channel subunit alpha1 A; minus strand). Cytogenetic location: 19p13.13.
Variant type: single nucleotide variant.
Coding change: c.2840C>T on transcript NM_001127222.2 (MANE Select); coding-DNA position 2840, C replaced by T.
Protein change: p.Pro947Leu; replaces proline 947 with leucine.
Molecular consequence: missense variant.
Genome position (GRCh38, 1-based): chr19:13,298,793, G>A on the plus strand (C>T on the coding strand, the complement: CACNA1A is on the minus strand). VCF-style: chr19-13298793-G-A. GRCh37 (hg19) VCF-style: chr19-13409607-G-A.
Other names: c.2852C>T, p.Pro951Leu (NM_000068.4, NM_023035.3); c.2843C>T, p.Pro948Leu (NM_001127221.2, NM_001174080.2); short protein forms P947L, P948L, P951L.
Identifiers: ClinVar variation 2649388 (VCV002649388.28), dbSNP rs756038056, ClinGen allele CA9240461.

ClinVar aggregate classification (germline): Conflicting classifications of pathogenicity. Review status: criteria provided, conflicting classifications (1 of 4 stars). 4 submissions from 4 submitters: Uncertain significance (3); Likely benign (1). Last evaluated 2024-02-20.

Conditions:
Developmental and epileptic encephalopathy, 42 (DEE42A). Also called: Epileptic encephalopathy, early infantile, 42; DEVELOPMENTAL AND EPILEPTIC ENCEPHALOPATHY 42A; EPILEPTIC ENCEPHALOPATHY, EARLY INFANTILE, 42A. Identifiers: MedGen C4310716, MONDO:0014917, OMIM 617106.
Episodic ataxia type 2 (EA2). Also called: ATAXIA, EPISODIC, WITH NYSTAGMUS; ATAXIA, FAMILIAL PAROXYSMAL; CEREBELLAR ATAXIA, PAROXYSMAL, ACETAZOLAMIDE-RESPONSIVE; CEREBELLOPATHY, HEREDITARY PAROXYSMAL; EPISODIC ATAXIA, NYSTAGMUS-ASSOCIATED; ACETAZOLAMIDE-RESPONSIVE HEREDITARY PAROXYSMAL CEREBELLAR ATAXIA. Identifiers: Orphanet 97, MedGen C1720416, MONDO:0007163, OMIM 108500.

Allele frequency attached by ClinVar (database versions not stated): ExAC 0.00005.
gnomAD v4.1: 5 of 1,545,536 alleles (0.00032%); highest among the groups gnomAD compares: Non-Finnish European, 0.000086%; no homozygotes.

Submissions (4):

Women's Health and Genetics/Laboratory Corporation of America, LabCorp
Classification: Uncertain significance. Last evaluated: 2024-02-20. Review status: criteria provided, single submitter. Criteria: LabCorp Variant Classification Summary - May 2015. Collection method: clinical testing. Allele origin: germline.
Comment: Variant summary: CACNA1A c.2843C>T (p.Pro948Leu) results in a non-conservative amino acid change in the encoded protein sequence. Three of five in-silico tools predict a benign effect of the variant on protein function. The variant allele was found at a frequency of 1.9e-05 in 154064 control chromosomes (gnomAD). The available data on variant occurrences in the general population are insufficient to allow any conclusion about variant significance. To our knowledge, no occurrence of c.2843C>T in individuals affected with Epileptic Encephalopathy, Early Infantile, 42 and no experimental evidence demonstrating its impact on protein function have been reported. ClinVar contains an entry for this variant (Variation ID: 2649388). Based on the evidence outlined above, the variant was classified as uncertain significance.

Labcorp Genetics (formerly Invitae), Labcorp
Classification: Likely benign for Developmental and epileptic encephalopathy, 42; Episodic ataxia type 2. Last evaluated: 2023-10-23. Review status: criteria provided, single submitter. Criteria: Invitae Variant Classification Sherloc (09022015). Collection method: clinical testing. Allele origin: germline.

GeneDx
Classification: Uncertain significance. Last evaluated: 2023-07-03. Review status: criteria provided, single submitter. Criteria: GeneDx Variant Classification Process June 2021. Collection method: clinical testing. Allele origin: germline. Affected: yes.
Comment: Not observed at significant frequency in large population cohorts (gnomAD); In silico analysis supports that this missense variant has a deleterious effect on protein structure/function; Has not been previously published as pathogenic or benign to our knowledge

CeGaT Center for Human Genetics Tuebingen
Classification: Uncertain significance. Last evaluated: 2022-12-01. Review status: criteria provided, single submitter. Criteria: CeGaT Center For Human Genetics Tuebingen Variant Classification Criteria Version 2. Collection method: clinical testing. Allele origin: germline. Affected: yes. Observed: 2 variant alleles.
Comment: CACNA1A: PM2:Supporting, PP2, PP3